The following is an entry in ClinVar:

ClinVar aggregate classification (germline): Likely benign (1 of 4 stars; one submission).

gnomAD v4.1: 5 of 1,527,858 alleles (0.00033%); highest among the groups gnomAD compares: Non-Finnish European, 0.00044%; no homozygotes.

Submission:

GeneDx
Classification: Likely benign. Last evaluated: 2016-03-21. Review status: criteria provided, single submitter. Criteria: GeneDx Variant Classification (06012015). Collection method: clinical testing. Allele origin: germline. Affected: yes.
Comment: This variant is considered likely benign or benign based on one or more of the following criteria: it is a conservative change, it occurs at a poorly conserved position in the protein, it is predicted to be benign by multiple in silico algorithms, and/or has population frequency not consistent with disease.

NM_001358921.2(COQ2):c.254-12A>G

Gene: COQ2 (coenzyme Q2, polyprenyltransferase; minus strand). Cytogenetic location: 4q21.23.
Variant type: single nucleotide variant.
Coding change: c.254-12A>G on transcript NM_001358921.2 (MANE Select); 12 bases into the intron before coding-DNA position 254, A replaced by G.
Molecular consequence: intron variant.
Genome position (GRCh38, 1-based): chr4:83,279,126, T>C on the plus strand (A>G on the coding strand, the complement: COQ2 is on the minus strand). VCF-style: chr4-83279126-T-C. GRCh37 (hg19) VCF-style: chr4-84200279-T-C.
Other names: c.404-12A>G (NM_015697.9).
Identifiers: ClinVar variation 384200 (VCV000384200.1), dbSNP rs984334259, ClinGen allele CA16604630.
Genomic context (GRCh38, chr4:83,279,126, plus strand): 5'-GCTGCCAAACCAATGCTCCAGGTACATGGTAAATACAGAAGCCAGGTTCCTAAGCAAAAA[T>C]AAAAAGACAAAAAAGGTACAAATTTAAGTCAGTTAACTGTTTTCATTTGTTTAAACATCA-3'